The following is an entry in ClinVar:

NM_152327.5(AK7):c.1486+2T>C

Gene: AK7 (adenylate kinase 7; plus strand). Cytogenetic location: 14q32.2.
Variant type: single nucleotide variant.
Coding change: c.1486+2T>C on transcript NM_152327.5 (MANE Select); the canonical splice donor site of the intron after coding-DNA position 1486, T replaced by C.
Molecular consequence: splice donor variant. On other transcripts: intron variant (1).
Genome position (GRCh38, 1-based): chr14:96,471,608, T>C. VCF-style: chr14-96471608-T-C. GRCh37 (hg19) VCF-style: chr14-96937945-T-C.
Other names: c.1486+2T>C (NM_001350888.2, NM_001350890.2); c.1358-6857T>C (NM_001350892.2); c.1408+2T>C (NM_001350891.2).
Identifiers: ClinVar variation 2848912 (VCV002848912.3), dbSNP rs1894895193, ClinGen allele CA390920737.
Genomic context (GRCh38, chr14:96,471,608, plus strand): 5'-AGGTTATATTTTGGATGGATTCCCAAAGACCTATGATCAAGCAAAAGACCTGTTCAATCG[T>C]AAGTTTGAGTGTTCTATTTTGAGTATTTATATTCAGATAAGTTGCAACTTTATTGTTCAG-3'

ClinVar aggregate classification (germline): Uncertain significance (1 of 4 stars; one submission).

Allele frequency attached by ClinVar (database versions not stated): gnomAD exomes below 0.00001.
gnomAD v4.1: 1 of 1,542,612 alleles (0.000065%); highest among the groups gnomAD compares: South Asian, 0.0013%; no homozygotes.

Submission:

Labcorp Genetics (formerly Invitae), Labcorp
Classification: Uncertain significance. Last evaluated: 2023-04-30. Review status: criteria provided, single submitter. Criteria: Invitae Variant Classification Sherloc (09022015). Collection method: clinical testing. Allele origin: germline.
Comment: In summary, the available evidence is currently insufficient to determine the role of this variant in disease. Therefore, it has been classified as a Variant of Uncertain Significance. Algorithms developed to predict the effect of sequence changes on RNA splicing suggest that this variant may disrupt the consensus splice site. This variant has not been reported in the literature in individuals affected with AK7-related conditions. This variant is not present in population databases (gnomAD no frequency). This sequence change affects a donor splice site in intron 13 of the AK7 gene. It is expected to disrupt RNA splicing. Variants that disrupt the donor or acceptor splice site typically lead to a loss of protein function (PMID: 16199547), however the current clinical and genetic evidence is not sufficient to establish whether loss-of-function variants in AK7 cause disease.

Literature cited by the submitters: PubMed 16199547.